The following is an entry in ClinVar:

ClinVar aggregate classification (germline): Uncertain significance (1 of 4 stars; one submission).

gnomAD v4.1: 8 of 794,716 alleles (0.001%); highest among the groups gnomAD compares: Admixed American, 0.0047%; no homozygotes.

Submission:

Greenwood Genetic Center Diagnostic Laboratories, Greenwood Genetic Center
Classification: Uncertain significance. Last evaluated: 2022-01-10. Review status: criteria provided, single submitter. Criteria: ACMG Guidelines, 2015. Collection method: clinical testing. Allele origin: germline. Affected: yes.
Comment: PM2

NM_001379659.1(ZNF142):c.598T>C (p.Cys200Arg)

Gene: ZNF142 (zinc finger protein 142; minus strand). Cytogenetic location: 2q35.
Variant type: single nucleotide variant.
Coding change: c.598T>C on transcript NM_001379659.1 (MANE Select); coding-DNA position 598, T replaced by C.
Protein change: p.Cys200Arg; replaces cysteine 200 with arginine.
Molecular consequence: missense variant. On other transcripts: intron variant (6).
Genome position (GRCh38, 1-based): chr2:218,651,983, A>G on the plus strand (T>C on the coding strand, the complement: ZNF142 is on the minus strand). VCF-style: chr2-218651983-A-G. GRCh37 (hg19) VCF-style: chr2-219516706-A-G.
Other names: c.598T>C, p.Cys200Arg (NM_001366290.3, NM_001379660.1, NM_001379661.1); c.281-1457T>C (NM_001379662.1, NM_001105537.4, NM_001366291.2); c.-331-161T>C (NM_001366289.2, NM_001366288.2, NM_001366287.2); short protein forms C200R.
Identifiers: ClinVar variation 1676492 (VCV001676492.3), dbSNP rs1054232204, ClinGen allele CA65802184.